The following is an entry in ClinVar:

NM_001498.4(GCLC):c.1100T>G (p.Leu367Arg)

Gene: GCLC (glutamate-cysteine ligase catalytic subunit; minus strand). Cytogenetic location: 6p12.1.
Variant type: single nucleotide variant.
Coding change: c.1100T>G on transcript NM_001498.4 (MANE Select); coding-DNA position 1100, T replaced by G.
Protein change: p.Leu367Arg; replaces leucine 367 with arginine.
Molecular consequence: missense variant.
Genome position (GRCh38, 1-based): chr6:53,507,010, A>C on the plus strand (T>G on the coding strand, the complement: GCLC is on the minus strand). VCF-style: chr6-53507010-A-C. GRCh37 (hg19) VCF-style: chr6-53371808-A-C.
Other names: c.986T>G, p.Leu329Arg (NM_001197115.2); short protein forms L329R, L367R.
Identifiers: ClinVar variation 4727714 (VCV004727714.1).
Genomic context (GRCh38, chr6:53,507,010, plus strand): 5'-ATTTTCTCTTCAAACAGTGTCAGTGGGTCTCTAATAAAGAGATGAGCAACATGCTGGGCC[A>C]GGAGATGATCAATGCCTGCAAAAAGAGATCACATGGGAACTCACTGCAAAGCGAGAGATA-3'
Protein context (NP_001489.1, residues 357-377): QLLQEGIDHL[Leu367Arg]AQHVAHLFIR

ClinVar aggregate classification (germline): Uncertain significance (1 of 4 stars; one submission).

Submission:

Labcorp Genetics (formerly Invitae), Labcorp
Classification: Uncertain significance. Last evaluated: 2025-09-23. Review status: criteria provided, single submitter. Criteria: Invitae Variant Classification Sherloc (09022015). Collection method: clinical testing. Allele origin: germline.
Comment: This sequence change replaces leucine, which is neutral and non-polar, with arginine, which is basic and polar, at codon 367 of the GCLC protein (p.Leu367Arg). This variant is not present in population databases (gnomAD no frequency). This variant has not been reported in the literature in individuals affected with GCLC-related conditions. An algorithm developed to predict the effect of missense changes on protein structure and function (PolyPhen-2) suggests that this variant is likely to be disruptive. In summary, the available evidence is currently insufficient to determine the role of this variant in disease. Therefore, it has been classified as a Variant of Uncertain Significance.